The following is an entry in ClinVar:

NM_001853.4(COL9A3):c.122G>A (p.Gly41Glu)

Gene: COL9A3 (collagen type IX alpha 3 chain; plus strand). Cytogenetic location: 20q13.33.
Variant type: single nucleotide variant.
Coding change: c.122G>A on transcript NM_001853.4 (MANE Select); coding-DNA position 122, G replaced by A.
Protein change: p.Gly41Glu; replaces glycine 41 with glutamic acid.
Molecular consequence: missense variant.
Genome position (GRCh38, 1-based): chr20:62,817,610, G>A. VCF-style: chr20-62817610-G-A. GRCh37 (hg19) VCF-style: chr20-61448962-G-A.
Other names: short protein forms G41E.
Identifiers: ClinVar variation 3369148 (VCV003369148.1).

ClinVar aggregate classification (germline): Uncertain significance (1 of 4 stars; one submission).

Submission:

GeneDx
Classification: Uncertain significance. Last evaluated: 2024-02-15. Review status: criteria provided, single submitter. Criteria: GeneDx Variant Classification Process June 2021. Collection method: clinical testing. Allele origin: germline. Affected: yes.
Comment: Not observed at significant frequency in large population cohorts (gnomAD); In silico analysis supports that this missense variant has a deleterious effect on protein structure/function; Has not been previously published as pathogenic or benign to our knowledge